The following is an entry in ClinVar:

NM_015001.3(SPEN):c.9753TGTCCC[1] (p.3250VP[2])

Gene: SPEN (spen family transcriptional repressor; plus strand). Cytogenetic location: 1p36.13.
Variant type: Microsatellite.
Coding change: c.9753TGTCCC[1] on transcript NM_015001.3 (MANE Select); one copy of the 6-base unit TGTCCC starting at c.9753; the reference has two copies in a row; one copy, 6 bases deleted.
Protein change: p.3250VP[2].
Molecular consequence: inframe deletion.
Genome position (GRCh38, 1-based): chr1:15,935,999-15,936,004, TGTCCC deleted; deleting any 6 consecutive bases within chr1:15,935,988-15,936,004 gives the same sequence; the position shown is the placement nearest the transcript's 3' end. VCF-style (leftmost placement, unchanged base first): chr1-15935987-CGTCCCT-C. GRCh37 (hg19) VCF-style: chr1-16262482-CGTCCCT-C.
Other names: c.9759_9764del6 (NM_015001.2).
Identifiers: ClinVar variation 3025761 (VCV003025761.23), dbSNP rs752807690, ClinGen allele CA620558.
Genomic context (GRCh38, chr1:15,935,987, plus strand): 5'-AGGGAAGGAAGCTGCCAAGACACCAGATGCCAAAGCTGCCCCCACCCCCACCCCTGCCCC[CGTCCCT>C]GTCCCTGTCCCCCTTCCTGCCCCTGCTCCTGCCCCTCATGGTGAGGCCCGTATCCTCACA-3'

ClinVar aggregate classification (germline): Likely benign. Review status: criteria provided, single submitter (1 of 4 stars). 2 submissions from 2 submitters: Likely benign (1). 1 of the submissions does not count toward it. Last evaluated 2024-02-01.

Conditions:
SPEN-related disorder. Also called: SPEN-related condition.

Submissions (2):

CeGaT Center for Human Genetics Tuebingen
Classification: Likely benign. Last evaluated: 2024-02-01. Review status: criteria provided, single submitter. Criteria: CeGaT Center For Human Genetics Tuebingen Variant Classification Criteria Version 2. Collection method: clinical testing. Allele origin: germline. Affected: yes. Observed: 1 variant allele.
Comment: SPEN: BS1

PreventionGenetics, part of Exact Sciences
Classification: Likely benign for SPEN-related condition. Last evaluated: 2019-05-01. Review status: no assertion criteria provided. Collection method: clinical testing. Allele origin: germline. Not counted in ClinVar's aggregate classification.
Comment: This variant is classified as likely benign based on ACMG/AMP sequence variant interpretation guidelines (Richards et al. 2015 PMID: 25741868, with internal and published modifications).